The following is an entry in ClinVar:

ClinVar aggregate classification (germline): Conflicting classifications of pathogenicity. Review status: criteria provided, conflicting classifications (1 of 4 stars). 4 submissions from 4 submitters: Uncertain significance (1); Likely benign (2). 1 of the submissions does not count toward it. Last evaluated 2024-03-07.

Conditions:
Renal tubular acidosis with progressive nerve deafness. Also called: Distal Renal Tubular Acidosis with Progressive Sensorineural Deafness; RENAL TUBULAR ACIDOSIS, AUTOSOMAL RECESSIVE, WITH PROGRESSIVE NERVE DEAFNESS; RTA WITH PROGRESSIVE NERVE DEAFNESS; renal tubular acidosis, distal, 2, with progressive sensorineural hearing loss. Identifiers: MedGen C0403554, MONDO:0009968, OMIM 267300.

Allele frequency attached by ClinVar (database versions not stated): TOPMed 0.00004; ExAC 0.00005; gnomAD 0.00005; gnomAD exomes 0.00006 and 0.00007; ESP Exome Variant Server 0.00008.
gnomAD v4.1: 110 of 1,613,902 alleles (0.0068%); highest among the groups gnomAD compares: Admixed American, 0.0083%; no homozygotes.

Submissions (4):

Labcorp Genetics (formerly Invitae), Labcorp
Classification: Likely benign. Last evaluated: 2024-03-07. Review status: criteria provided, single submitter. Criteria: Invitae Variant Classification Sherloc (09022015). Collection method: clinical testing. Allele origin: germline.

Illumina Laboratory Services, Illumina
Classification: Uncertain significance for Renal tubular acidosis with progressive nerve deafness. Last evaluated: 2018-01-13. Review status: criteria provided, single submitter. Criteria: ICSL Variant Classification Criteria 13 December 2019. Collection method: clinical testing. Allele origin: germline.

Laboratory for Molecular Medicine, Mass General Brigham Personalized Medicine
Classification: Likely benign. Last evaluated: 2016-02-09. Review status: criteria provided, single submitter. Criteria: LMM Criteria. Collection method: clinical testing. Allele origin: germline. Observed: 1 variant allele.
Comment: p.Ala63Ala in exon 3 of ATP6V1B1: This variant is not expected to have clinical significance because it does not alter an amino acid residue and is not located within the splice consensus sequence. It has been identified in 4/64028 European chromosomes by the Exome Aggregation Consortium (ExAC; dbSNP rs376581983).

Natera, Inc.
Classification: Uncertain significance for Renal tubular acidosis with progressive nerve deafness. Last evaluated: 2020-04-24. Review status: no assertion criteria provided. Collection method: clinical testing. Allele origin: germline. Not counted in ClinVar's aggregate classification.

NM_001692.4(ATP6V1B1):c.189G>A (p.Ala63=)

Gene: ATP6V1B1 (ATPase H+ transporting V1 subunit B1; plus strand). Cytogenetic location: 2p13.3.
Variant type: single nucleotide variant.
Coding change: c.189G>A on transcript NM_001692.4 (MANE Select); coding-DNA position 189, G replaced by A.
Protein change: p.Ala63=; no amino-acid change (alanine 63 retained).
Molecular consequence: synonymous variant.
Genome position (GRCh38, 1-based): chr2:70,958,060, G>A. VCF-style: chr2-70958060-G-A. GRCh37 (hg19) VCF-style: chr2-71185190-G-A.
Identifiers: ClinVar variation 227180 (VCV000227180.17), dbSNP rs376581983, ClinGen allele CA1700949.